The following is an entry in ClinVar:

NM_018136.5(ASPM):c.3955G>T (p.Ala1319Ser)

Gene: ASPM (assembly factor for spindle microtubules; minus strand). Cytogenetic location: 1q31.3.
Variant type: single nucleotide variant.
Coding change: c.3955G>T on transcript NM_018136.5 (MANE Select); coding-DNA position 3955, G replaced by T.
Protein change: p.Ala1319Ser; replaces alanine 1319 with serine.
Molecular consequence: missense variant.
Genome position (GRCh38, 1-based): chr1:197,117,899, C>A on the plus strand (G>T on the coding strand, the complement: ASPM is on the minus strand). VCF-style: chr1-197117899-C-A. GRCh37 (hg19) VCF-style: chr1-197087029-C-A.
Other names: c.3955G>T, p.Ala1319Ser (NM_001206846.2); short protein forms A1319S.
Identifiers: ClinVar variation 874981 (VCV000874981.8), dbSNP rs376541100, ClinGen allele CA1310037.

ClinVar aggregate classification (germline): Uncertain significance. Review status: criteria provided, multiple submitters, no conflicts (2 of 4 stars). 4 submissions from 4 submitters: Uncertain significance (4). Last evaluated 2025-09-18.

Conditions:
Inborn genetic diseases. Identifiers: MedGen C0950123, MeSH D030342.
Microcephaly 5, primary, autosomal recessive (MCPH5). Also called: ASPM Primary Microcephaly. Identifiers: Orphanet 2512, MedGen C1837501, MONDO:0012106, OMIM 608716.

Allele frequency attached by ClinVar (database versions not stated): gnomAD exomes 0.00003; ExAC 0.00004; TOPMed 0.00005; gnomAD 0.00006 and 0.00007; ESP Exome Variant Server 0.00008.
gnomAD v4.1: 78 of 1,613,136 alleles (0.0048%); highest among the groups gnomAD compares: East Asian, 0.056%; no homozygotes.

Submissions (4):

Labcorp Genetics (formerly Invitae), Labcorp
Classification: Uncertain significance. Last evaluated: 2025-09-18. Review status: criteria provided, single submitter. Criteria: Invitae Variant Classification Sherloc (09022015). Collection method: clinical testing. Allele origin: germline.
Comment: This sequence change replaces alanine, which is neutral and non-polar, with serine, which is neutral and polar, at codon 1319 of the ASPM protein (p.Ala1319Ser). This variant is present in population databases (rs376541100, gnomAD 0.05%). This variant has not been reported in the literature in individuals affected with ASPM-related conditions. ClinVar contains an entry for this variant (Variation ID: 874981). Invitae Evidence Modeling of protein sequence and biophysical properties (such as structural, functional, and spatial information, amino acid conservation, physicochemical variation, residue mobility, and thermodynamic stability) indicates that this missense variant is not expected to disrupt ASPM protein function with a negative predictive value of 80%. In summary, the available evidence is currently insufficient to determine the role of this variant in disease. Therefore, it has been classified as a Variant of Uncertain Significance.

Ambry Genetics
Classification: Uncertain significance for Inborn genetic diseases. Last evaluated: 2024-03-21. Review status: criteria provided, single submitter. Criteria: Ambry Variant Classification Scheme 2023. Collection method: clinical testing. Allele origin: germline.

Genome-Nilou Lab
Classification: Uncertain significance for Microcephaly 5, primary, autosomal recessive. Last evaluated: 2023-04-11. Review status: criteria provided, single submitter. Criteria: ACMG Guidelines, 2015. Collection method: clinical testing. Allele origin: germline. Affected: no.

Illumina Laboratory Services, Illumina
Classification: Uncertain significance for Microcephaly 5, primary, autosomal recessive. Last evaluated: 2018-01-13. Review status: criteria provided, single submitter. Criteria: ICSL Variant Classification Criteria 13 December 2019. Collection method: clinical testing. Allele origin: germline.